The following is an entry in ClinVar:

ClinVar aggregate classification (germline): Uncertain significance (1 of 4 stars; one submission).

gnomAD v4.1: 2 of 1,548,504 alleles (0.00013%); highest among the groups gnomAD compares: Non-Finnish European, 0.00017%; no homozygotes.

Submission:

CeGaT Center for Human Genetics Tuebingen
Classification: Uncertain significance. Last evaluated: 2026-01-01. Review status: criteria provided, single submitter. Criteria: CeGaT Center For Human Genetics Tuebingen Variant Classification Criteria Version 2. Collection method: clinical testing. Allele origin: germline. Affected: yes. Observed: 1 variant allele.
Comment: PIEZO1: PM2, BP4

NM_001142864.4(PIEZO1):c.6777G>T (p.Gln2259His)

Gene: PIEZO1 (piezo type mechanosensitive ion channel component 1 (Er blood group); minus strand). Cytogenetic location: 16q24.3.
Variant type: single nucleotide variant.
Coding change: c.6777G>T on transcript NM_001142864.4 (MANE Select); coding-DNA position 6777, G replaced by T.
Protein change: p.Gln2259His; replaces glutamine 2259 with histidine.
Molecular consequence: missense variant.
Genome position (GRCh38, 1-based): chr16:88,716,708, C>A on the plus strand (G>T on the coding strand, the complement: PIEZO1 is on the minus strand). VCF-style: chr16-88716708-C-A. GRCh37 (hg19) VCF-style: chr16-88783116-C-A.
Other names: short protein forms Q2259H.
Identifiers: ClinVar variation 4822523 (VCV004822523.4).